The following is an entry in ClinVar:

NM_001009944.3(PKD1):c.1194G>A (p.Pro398=)

Gene: PKD1 (polycystin 1, transient receptor potential channel interacting; minus strand). Cytogenetic location: 16p13.3.
Variant type: single nucleotide variant.
Coding change: c.1194G>A on transcript NM_001009944.3 (MANE Select); coding-DNA position 1194, G replaced by A.
Protein change: p.Pro398=; no amino-acid change (proline 398 retained).
Molecular consequence: synonymous variant.
Genome position (GRCh38, 1-based): chr16:2,117,798, C>T on the plus strand (G>A on the coding strand, the complement: PKD1 is on the minus strand). VCF-style: chr16-2117798-C-T. GRCh37 (hg19) VCF-style: chr16-2167799-C-T.
Other names: c.1194G>A, p.Pro398= (NM_000296.4).
Identifiers: ClinVar variation 3044280 (VCV003044280.3), dbSNP rs1482420402, ClinGen allele CA493050182.

ClinVar aggregate classification (germline): Likely benign. Review status: criteria provided, single submitter (1 of 4 stars). 2 submissions from 2 submitters: Likely benign (1). 1 of the submissions does not count toward it. Last evaluated 2022-04-06.

Conditions:
PKD1-related disorder. Also called: PKD1-related condition.

Allele frequency attached by ClinVar (database versions not stated): gnomAD 0.00002; gnomAD exomes 0.00003; TOPMed 0.00004.
gnomAD v4.1: 29 of 1,145,366 alleles (0.0025%); highest among the groups gnomAD compares: South Asian, 0.0066%; no homozygotes.

Submissions (2):

Blueprint Genetics
Classification: Likely benign. Last evaluated: 2022-04-06. Review status: criteria provided, single submitter. Criteria: ACMG Guidelines, 2015. Collection method: clinical testing. Allele origin: germline.

PreventionGenetics, part of Exact Sciences
Classification: Likely benign for PKD1-related condition. Last evaluated: 2023-03-15. Review status: no assertion criteria provided. Collection method: clinical testing. Allele origin: germline. Not counted in ClinVar's aggregate classification.
Comment: This variant is classified as likely benign based on ACMG/AMP sequence variant interpretation guidelines (Richards et al. 2015 PMID: 25741868, with internal and published modifications).